The following is an entry in ClinVar:

ClinVar aggregate classification (germline): Uncertain significance. Review status: criteria provided, multiple submitters, no conflicts (2 of 4 stars). 2 submissions from 2 submitters: Uncertain significance (2). Last evaluated 2025-11-03.

Allele frequency attached by ClinVar (database versions not stated): gnomAD 0.00001; gnomAD exomes 0.00001 and 0.00002; TOPMed 0.00001; ExAC 0.00002.
gnomAD v4.1: 16 of 1,613,992 alleles (0.00099%); highest among the groups gnomAD compares: Non-Finnish European, 0.0014%; no homozygotes.

Submissions (2):

Ambry Genetics
Classification: Uncertain significance. Last evaluated: 2025-11-03. Review status: criteria provided, single submitter. Criteria: Ambry Variant Classification Scheme 2023. Collection method: clinical testing. Allele origin: germline.

Labcorp Genetics (formerly Invitae), Labcorp
Classification: Uncertain significance. Last evaluated: 2024-12-02. Review status: criteria provided, single submitter. Criteria: Invitae Variant Classification Sherloc (09022015). Collection method: clinical testing. Allele origin: germline.
Comment: This sequence change replaces methionine, which is neutral and non-polar, with isoleucine, which is neutral and non-polar, at codon 36 of the SIAE protein (p.Met36Ile). This variant is present in population databases (rs764726971, gnomAD 0.004%). This variant has not been reported in the literature in individuals affected with SIAE-related conditions. ClinVar contains an entry for this variant (Variation ID: 1520584). An algorithm developed to predict the effect of missense changes on protein structure and function (PolyPhen-2) suggests that this variant is likely to be disruptive. In summary, the available evidence is currently insufficient to determine the role of this variant in disease. Therefore, it has been classified as a Variant of Uncertain Significance.

NM_170601.5(SIAE):c.108G>A (p.Met36Ile)

Gene: SIAE (sialic acid acetylesterase; minus strand). Cytogenetic location: 11q24.2.
Variant type: single nucleotide variant.
Coding change: c.108G>A on transcript NM_170601.5 (MANE Select); coding-DNA position 108, G replaced by A.
Protein change: p.Met36Ile; replaces methionine 36 with isoleucine.
Molecular consequence: missense variant. On other transcripts: initiator codon variant (1).
Genome position (GRCh38, 1-based): chr11:124,669,481, C>T on the plus strand (G>A on the coding strand, the complement: SIAE is on the minus strand). VCF-style: chr11-124669481-C-T. GRCh37 (hg19) VCF-style: chr11-124539377-C-T.
Other names: c.108G>A (NM_170601.4); c.3G>A, p.Met1Ile (NM_001199922.2); short protein forms M1I, M36I.
Identifiers: ClinVar variation 1520584 (VCV001520584.7), dbSNP rs764726971, ClinGen allele CA6341655.
Genomic context (GRCh38, chr11:124,669,481, plus strand): 5'-TGTGGCTCCAGGTGTACCGAAGCCCCATATCACTGCCCCAGCAGGCTCCTTCTGCAGCAC[C>T]ATATCATTATTGATGTATGAAGCAAAGCGAAAACCAATACCTAAAAAATTTAACAAACAC-3'
Protein context (NP_733746.1, residues 26-46): FRFASYINND[Met36Ile]VLQKEPAGAV